The following is an entry in ClinVar:

ClinVar aggregate classification (germline): Uncertain significance (1 of 4 stars; one submission).

Submission:

GeneDx
Classification: Uncertain significance. Last evaluated: 2025-03-10. Review status: criteria provided, single submitter. Criteria: GeneDx Variant Classification Process June 2021. Collection method: clinical testing. Allele origin: germline. Affected: yes.
Comment: Not observed at significant frequency in large population cohorts (gnomAD); In silico analysis indicates that this missense variant does not alter protein structure/function; Has not been previously published as pathogenic or benign to our knowledge

NM_001111125.3(IQSEC2):c.1292C>T (p.Pro431Leu)

Gene: IQSEC2 (IQ motif and Sec7 domain ArfGEF 2; minus strand). Cytogenetic location: Xp11.22.
Variant type: single nucleotide variant.
Coding change: c.1292C>T on transcript NM_001111125.3 (MANE Select); coding-DNA position 1292, C replaced by T.
Protein change: p.Pro431Leu; replaces proline 431 with leucine.
Molecular consequence: missense variant.
Genome position (GRCh38, 1-based): chrX:53,254,639, G>A on the plus strand (C>T on the coding strand, the complement: IQSEC2 is on the minus strand). VCF-style: chrX-53254639-G-A. GRCh37 (hg19) VCF-style: chrX-53283821-G-A.
Other names: c.1292C>T, p.Pro431Leu (NM_001410736.1, NM_001441092.1); c.794C>T, p.Pro265Leu (NM_001441093.1); c.581C>T, p.Pro194Leu (NM_001441094.1, NM_001441095.1); c.677C>T, p.Pro226Leu (NM_015075.2); short protein forms P194L, P226L, P265L, P431L.
Identifiers: ClinVar variation 4083111 (VCV004083111.1).
Genomic context (GRCh38, chrX:53,254,639, plus strand): 5'-CCAGATGTGGTGACGGAGCTTCCACCACCATCGATGCCCCCACCACAGGAGCCTCCATAT[G>A]GGAGCCCCCGTTCAAGCCGGTGGCTCCGGGCACCAGCCATGGCACCCTCGTCCAGCGAGG-3'
Protein context (NP_001104595.1, residues 421-441): ARSHRLERGL[Pro431Leu]YGGSCGGGID